The following is an entry in ClinVar:

ClinVar aggregate classification (germline): Benign (1 of 4 stars; one submission).

Allele frequency attached by ClinVar (database versions not stated): gnomAD 0.00094.
gnomAD v4.1: 10 of 10,732 alleles (0.093%); highest among the groups gnomAD compares: African/African-American, 0.31%; no homozygotes.

Submission:

CeGaT Center for Human Genetics Tuebingen
Classification: Benign. Last evaluated: 2022-03-01. Review status: criteria provided, single submitter. Criteria: CeGaT Center For Human Genetics Tuebingen Variant Classification Criteria Version 2. Collection method: clinical testing. Allele origin: germline. Affected: yes. Observed: 1 variant allele.
Comment: MECOM: BS1, BS2

NM_004991.4(MECOM):c.375+118100T>G

Gene: MECOM (MDS1 and EVI1 complex locus; minus strand). Cytogenetic location: 3q26.2.
Variant type: single nucleotide variant.
Coding change: c.375+118100T>G on transcript NM_004991.4 (MANE Select); 118100 bases into the intron after coding-DNA position 375, T replaced by G.
Molecular consequence: intron variant.
Genome position (GRCh38, 1-based): chr3:169,263,087, A>C on the plus strand (T>G on the coding strand, the complement: MECOM is on the minus strand). VCF-style: chr3-169263087-A-C. GRCh37 (hg19) VCF-style: chr3-168980875-A-C.
Other names: c.-189-119255T>G (NM_001205194.2); c.375+118100T>G (NM_001366473.2, NM_001366466.2).
Identifiers: ClinVar variation 2654269 (VCV002654269.24), dbSNP rs1488763928, ClinGen allele CA548001112.
Genomic context (GRCh38, chr3:169,263,087, plus strand): 5'-AACAATGAGCTGAACTTAAACTAGCTATTTGTTGCCTTTTTTTCAAGATGCTATATATAT[A>C]TATATATATATATATATATATATATATATATATATATATATGTTTTTTTTTTTTTTTTTG-3'